The following is an entry in ClinVar:

ClinVar aggregate classification (germline): Likely pathogenic (1 of 4 stars; one submission).

Conditions:
PHARC syndrome. Also called: Polyneuropathy-hearing loss-ataxia-retinitis pigmentosa-cataract syndrome. Identifiers: Orphanet 171848, MedGen C2675204, MONDO:0012984, OMIM 612674.

gnomAD v4.1: 1 of 1,614,096 alleles (0.000062%); highest among the groups gnomAD compares: East Asian, 0.0022%; no homozygotes.

Submission:

Juno Genomics, Hangzhou Juno Genomics, Inc
Classification: Likely pathogenic for PHARC syndrome. Review status: criteria provided, single submitter. Criteria: ACMG Guidelines, 2015. Collection method: clinical testing. Allele origin: germline.
Comment: Absent from controls (or at extremely low frequency if recessive) in Genome Aggregation Database.;Null variant in a gene where loss of function (LOF) is a known mechanism of disease.

NM_001042472.3(ABHD12):c.594C>A (p.Tyr198Ter)

Gene: ABHD12 (abhydrolase domain containing 12, lysophospholipase; minus strand). Cytogenetic location: 20p11.21.
Variant type: single nucleotide variant.
Coding change: c.594C>A on transcript NM_001042472.3 (MANE Select); coding-DNA position 594, C replaced by A.
Protein change: p.Tyr198Ter; replaces tyrosine 198 with a stop codon.
Molecular consequence: nonsense.
Genome position (GRCh38, 1-based): chr20:25,314,950, G>T on the plus strand (C>A on the coding strand, the complement: ABHD12 is on the minus strand). VCF-style: chr20-25314950-G-T. GRCh37 (hg19) VCF-style: chr20-25295586-G-T.
Other names: c.594C>A, p.Tyr198Ter (NM_015600.5); short protein forms Y198*.
Identifiers: ClinVar variation 5018602 (VCV005018602.2).